The following is an entry in ClinVar:

ClinVar aggregate classification (germline): Uncertain significance (1 of 4 stars; one submission).

Submission:

Women's Health and Genetics/Laboratory Corporation of America, LabCorp
Classification: Uncertain significance. Last evaluated: 2026-05-05. Review status: criteria provided, single submitter. Criteria: LabCorp Variant Classification Summary - May 2015. Collection method: clinical testing. Allele origin: germline.
Comment: Variant summary: The variant involves the duplication of exons 1-22 in the MED13L gene. A presumed nomenclature of c.(?_-563)_5114dup has been designated for the purposes of this classification. It is assumed to be a tandem duplication in direct orientation (PMIDs: 25640679, 30054569). This Copy Number Variant (CNV) involves a partial duplication of exon 22. This CNV spans a canonical splice-site and its impact on the encoded protein is unknown.The variant was absent in 21694 control chromosomes. The available data on variant occurrences in the general population are insufficient to allow any conclusion about variant significance. To our knowledge, no occurrence of c.(?_-563)_5114dup in individuals affected with MED13L-related conditions and no experimental evidence demonstrating its impact on protein function have been reported. No submitters have cited clinical-significance assessments for this variant to ClinVar. Based on the evidence outlined above, the variant was classified as uncertain significance.

NC_000012.11:g.116420250_(116715499_?)dup

Gene: MED13L (mediator complex subunit 13L; minus strand).
Variant type: Duplication.
Identifiers: ClinVar variation 4853562 (VCV004853562.1).